The following is an entry in ClinVar:

ClinVar aggregate classification (germline): Uncertain significance (1 of 4 stars; one submission).

Conditions:
GLI3-related disorder. Also called: GLI3-related condition; GLI3-related disorders. Identifiers: MedGen CN239292.

Allele frequency attached by ClinVar (database versions not stated): gnomAD exomes below 0.00001.
gnomAD v4.1: 5 of 1,605,548 alleles (0.00031%); highest among the groups gnomAD compares: Non-Finnish European, 0.00034%; no homozygotes.

Submission:

PreventionGenetics, part of Exact Sciences
Classification: Uncertain significance for GLI3-related condition. Last evaluated: 2023-06-29. Review status: criteria provided, single submitter. Criteria: ACMG Guidelines, 2015. Collection method: clinical testing. Allele origin: germline.
Comment: The GLI3 c.1369G>A variant is predicted to result in the amino acid substitution p.Gly457Arg. To our knowledge, this variant has not been reported in the literature or in a large population database, indicating this variant is rare. At this time, the clinical significance of this variant is uncertain due to the absence of conclusive functional and genetic evidence.

NM_000168.6(GLI3):c.1369G>A (p.Gly457Arg)

Gene: GLI3 (GLI family zinc finger 3; minus strand). Cytogenetic location: 7p14.1.
Variant type: single nucleotide variant.
Coding change: c.1369G>A on transcript NM_000168.6 (MANE Select); coding-DNA position 1369, G replaced by A.
Protein change: p.Gly457Arg; replaces glycine 457 with arginine.
Molecular consequence: missense variant.
Genome position (GRCh38, 1-based): chr7:42,023,596, C>T on the plus strand (G>A on the coding strand, the complement: GLI3 is on the minus strand). VCF-style: chr7-42023596-C-T. GRCh37 (hg19) VCF-style: chr7-42063195-C-T.
Other names: short protein forms G457R.
Identifiers: ClinVar variation 2631529 (VCV002631529.1), dbSNP rs2484639317, ClinGen allele CA367324358.
Genomic context (GRCh38, chr7:42,023,596, plus strand): 5'-TGACTTCAGGCTCCTGTTTGCTTTCATCTTTGTCCCCTTCCTCCTTGACAAGGGTTGTTC[C>T]TTCGGGCTGTTCCTGAAAGAAGAGGGTGGGGGGCAGGGAACAGAGAAGGGGGAAGAATCA-3'
Protein context (NP_000159.3, residues 447-467): GARGQQEQPE[Gly457Arg]TTLVKEEGDK